The following is an entry in ClinVar:

NM_001267550.2(TTN):c.91347T>C (p.Asp30449=)

Genes: TTN (titin; minus strand), TTN-AS1 (TTN antisense RNA 1; plus strand). Cytogenetic location: 2q31.2.
Variant type: single nucleotide variant.
Coding change: c.91347T>C on transcript NM_001267550.2 (MANE Select); coding-DNA position 91347, T replaced by C.
Protein change: p.Asp30449=; no amino-acid change (aspartic acid 30449 retained).
Molecular consequence: synonymous variant.
Genome position (GRCh38, 1-based): chr2:178,551,184, A>G on the plus strand (T>C on the coding strand, the complement: TTN is on the minus strand). VCF-style: chr2-178551184-A-G. GRCh37 (hg19) VCF-style: chr2-179415911-A-G.
Other names: p.D28808D:GAT>GAC; p.Asp28808=; c.86424T>C, p.Asp28808= (NM_001256850.1); c.64152T>C, p.Asp21384= (NM_003319.4); c.83643T>C, p.Asp27881= (NM_133378.4); c.64527T>C, p.Asp21509= (NM_133432.3); c.64728T>C, p.Asp21576= (NM_133437.4).
Identifiers: ClinVar variation 47507 (VCV000047507.82), dbSNP rs193022702, ClinGen allele CA284025.

ClinVar aggregate classification (germline): Conflicting classifications of pathogenicity. Review status: criteria provided, conflicting classifications (1 of 4 stars). 23 submissions from 19 submitters: Uncertain significance (3); Benign (7); Likely benign (9). 4 of the submissions do not count toward it. Last evaluated 2026-06-01.

Conditions:
Cardiovascular phenotype. Identifiers: MedGen CN230736.
Dilated cardiomyopathy 1G (CMD1G). Identifiers: Orphanet 154, MedGen C1858763, MONDO:0011400, OMIM 604145.
Autosomal recessive limb-girdle muscular dystrophy type 2J (LGMDR10). Also called: MUSCULAR DYSTROPHY, LIMB-GIRDLE, AUTOSOMAL RECESSIVE 10; Limb-girdle muscular dystrophy, type 2J. Identifiers: Orphanet 140922, MedGen C1837342, MONDO:0012127, OMIM 608807.
Cardiomyopathy (CMYO). Also called: Cardiomyopathies. Identifiers: Orphanet 167848, MedGen C0878544, MONDO:0004994, HP:0001638. Inheritance: Various modes of inheritance.
Early-onset myopathy with fatal cardiomyopathy (CMYO5). Also called: CONGENITAL MYOPATHY 5 WITH CARDIOMYOPATHY; Salih Myopathy. Identifiers: Orphanet 289377, MedGen C2673677, MONDO:0012714, OMIM 611705. Disease mechanism: loss of function.
Myopathy, myofibrillar, 9, with early respiratory failure (MFM9). Also called: Myopathy, distal, with early respiratory failure, autosomal dominant; Hereditary myopathy with early respiratory failure; MYOPATHY, PROXIMAL, WITH EARLY RESPIRATORY MUSCLE INVOLVEMENT; EDSTROM MYOPATHY. Identifiers: Orphanet 178464, Orphanet 34521, MedGen C1863599, MONDO:0011362, OMIM 603689.
Tibial muscular dystrophy (TMD). Also called: Udd Distal Myopathy – Tibial Muscular Dystrophy; Tibial muscular dystrophy, tardive; UDD MYOPATHY. Identifiers: Orphanet 609, MedGen C1838244, MONDO:0010870, OMIM 600334.

Allele frequency attached by ClinVar (database versions not stated): TOPMed 0.00054; gnomAD exomes 0.00089 and 0.00075; 1000 Genomes Project 30x 0.00016; 1000 Genomes Project 0.00020; gnomAD 0.00081 and 0.00076; ESP Exome Variant Server 0.00057; ExAC 0.00079.
gnomAD v4.1: 1,393 of 1,613,590 alleles (0.086%); highest among the groups gnomAD compares: Non-Finnish European, 0.11%; 3 homozygotes.

Submissions (23):

CeGaT Center for Human Genetics Tuebingen
Classification: Likely benign. Last evaluated: 2026-06-01. Review status: criteria provided, single submitter. Criteria: CeGaT Center For Human Genetics Tuebingen Variant Classification Criteria Version 2. Collection method: clinical testing. Allele origin: germline. Affected: yes. Observed: 19 variant alleles.
Comment: TTN: BP4, BP7

Labcorp Genetics (formerly Invitae), Labcorp
Classification: Benign for Dilated cardiomyopathy 1G; Autosomal recessive limb-girdle muscular dystrophy type 2J. Last evaluated: 2026-02-03. Review status: criteria provided, single submitter. Criteria: Invitae Variant Classification Sherloc (09022015). Collection method: clinical testing. Allele origin: germline.

Mayo Clinic Laboratories, Mayo Clinic
Classification: Likely benign. Last evaluated: 2025-08-07. Review status: criteria provided, single submitter. Criteria: ACMG Guidelines, 2015. Collection method: clinical testing. Allele origin: germline. Observed: 2 variant alleles.
Comment: BS1, BS2_supporting, BP4, BP7

Molecular Diagnostic Laboratory for Inherited Cardiovascular Disease, Montreal Heart Institute
Classification: Likely benign. Last evaluated: 2025-04-09. Review status: criteria provided, single submitter. Criteria: ACMG Guidelines, 2015. Collection method: clinical testing. Allele origin: germline. Affected: no.

Laboratory of Genetics, Children's Clinical University Hospital Latvia
Classification: Likely benign. Last evaluated: 2025-02-16. Review status: criteria provided, single submitter. Criteria: ACMG Guidelines, 2015. Collection method: clinical testing. Allele origin: germline. Affected: yes.

Blueprint Genetics
Classification: Likely benign. Last evaluated: 2024-11-22. Review status: criteria provided, single submitter. Criteria: ACMG Guidelines, 2015. Collection method: clinical testing. Allele origin: germline.

Athena Diagnostics
Classification: Benign. Last evaluated: 2023-11-09. Review status: criteria provided, single submitter. Criteria: Athena Diagnostics Criteria. Collection method: clinical testing. Allele origin: unknown.

ARUP Laboratories, Molecular Genetics and Genomics, ARUP Laboratories
Classification: Likely benign. Last evaluated: 2023-10-02. Review status: criteria provided, single submitter. Criteria: ARUP Molecular Germline Variant Investigation Process 2024. Collection method: clinical testing. Allele origin: germline.

CHEO Genetics Diagnostic Laboratory, Children's Hospital of Eastern Ontario
Classification: Benign for Cardiomyopathy. Last evaluated: 2023-05-30. Review status: criteria provided, single submitter. Criteria: ACMG Guidelines, 2015. Collection method: clinical testing. Allele origin: germline. Study: Canadian Open Genetics Repository.

Women's Health and Genetics/Laboratory Corporation of America, LabCorp
Classification: Benign. Last evaluated: 2021-08-21. Review status: criteria provided, single submitter. Criteria: LabCorp Variant Classification Summary - May 2015. Collection method: clinical testing. Allele origin: germline.

Ambry Genetics
Classification: Likely benign for Cardiovascular phenotype. Last evaluated: 2018-05-21. Review status: criteria provided, single submitter. Criteria: Ambry Variant Classification Scheme 2023. Collection method: clinical testing. Allele origin: germline.

Illumina Laboratory Services, Illumina
Classification: Uncertain significance for Dilated cardiomyopathy 1G. Last evaluated: 2018-01-13. Review status: criteria provided, single submitter. Criteria: ICSL Variant Classification Criteria 13 December 2019. Collection method: clinical testing. Allele origin: germline.

Illumina Laboratory Services, Illumina
Classification: Benign for Tibial muscular dystrophy. Last evaluated: 2018-01-13. Review status: criteria provided, single submitter. Criteria: ICSL Variant Classification Criteria 13 December 2019. Collection method: clinical testing. Allele origin: germline.
Comment: This variant was observed in the ICSL laboratory as part of a predisposition screen in an ostensibly healthy population. It had not been previously curated by ICSL or reported in the Human Gene Mutation Database (HGMD: prior to June 1st, 2018), and was therefore a candidate for classification through an automated scoring system. Utilizing variant allele frequency, disease prevalence and penetrance estimates, and inheritance mode, an automated score was calculated to assess if this variant is too frequent to cause the disease. Based on the score and internal cut-off values, a variant classified as benign is not then subjected to further curation. The score for this variant resulted in a classification of benign for this disease.

Illumina Laboratory Services, Illumina
Classification: Uncertain significance for Early-onset myopathy with fatal cardiomyopathy. Last evaluated: 2018-01-13. Review status: criteria provided, single submitter. Criteria: ICSL Variant Classification Criteria 13 December 2019. Collection method: clinical testing. Allele origin: germline.

Illumina Laboratory Services, Illumina
Classification: Benign for Myopathy, myofibrillar, 9, with early respiratory failure. Last evaluated: 2018-01-13. Review status: criteria provided, single submitter. Criteria: ICSL Variant Classification Criteria 13 December 2019. Collection method: clinical testing. Allele origin: germline.
Comment: the same text as in the submission from Illumina Laboratory Services, Illumina above.

Illumina Laboratory Services, Illumina
Classification: Uncertain significance for Autosomal recessive limb-girdle muscular dystrophy type 2J. Last evaluated: 2018-01-13. Review status: criteria provided, single submitter. Criteria: ICSL Variant Classification Criteria 13 December 2019. Collection method: clinical testing. Allele origin: germline.

Laboratory for Molecular Medicine, Mass General Brigham Personalized Medicine
Classification: Likely benign. Last evaluated: 2015-11-09. Review status: criteria provided, single submitter. Criteria: LMM Criteria. Collection method: clinical testing. Allele origin: germline. Observed: 5 variant alleles.
Comment: p.Asp27881Asp in exon 285 of TTN: This variant is not expected to have clinical significance because it does not alter an amino acid residue and is not located within the splice consensus sequence. It has been identified in 0.1% (84/66602) of European chromosomes by the Exome Aggregation Consortium (ExAC; dbSNP rs193022702).

Eurofins Ntd Llc (ga)
Classification: Likely benign. Last evaluated: 2015-01-09. Review status: criteria provided, single submitter. Criteria: EGL Classification Definitions 2015. Collection method: clinical testing. Allele origin: germline. Observed: 1 variant allele, 1 heterozygote.

GeneDx
Classification: Benign. Last evaluated: 2014-05-15. Review status: criteria provided, single submitter. Criteria: GeneDx Variant Classification (06012015). Collection method: clinical testing. Allele origin: germline. Affected: yes.
Comment: This variant is considered likely benign or benign based on one or more of the following criteria: it is a conservative change, it occurs at a poorly conserved position in the protein, it is predicted to be benign by multiple in silico algorithms, and/or has population frequency not consistent with disease.

Clinical Genetics DNA and cytogenetics Diagnostics Lab, Erasmus MC, Erasmus Medical Center
Classification: Likely benign. Review status: no assertion criteria provided. Collection method: clinical testing. Allele origin: germline. Affected: yes. Study: VKGL Data-share Consensus. Not counted in ClinVar's aggregate classification.

Clinical Genetics, Academic Medical Center
Classification: Benign. Review status: no assertion criteria provided. Collection method: clinical testing. Allele origin: germline. Affected: yes. Study: VKGL Data-share Consensus. Not counted in ClinVar's aggregate classification.

Diagnostic Laboratory, Department of Genetics, University Medical Center Groningen
Classification: Likely benign. Review status: no assertion criteria provided. Collection method: clinical testing. Allele origin: germline. Affected: yes. Study: VKGL Data-share Consensus. Not counted in ClinVar's aggregate classification.

Joint Genome Diagnostic Labs from Nijmegen and Maastricht, Radboudumc and MUMC+
Classification: Benign. Review status: no assertion criteria provided. Collection method: clinical testing. Allele origin: germline. Affected: yes. Study: VKGL Data-share Consensus. Not counted in ClinVar's aggregate classification.